The following is an entry in ClinVar:

ClinVar aggregate classification (germline): Uncertain significance. Review status: criteria provided, multiple submitters, no conflicts (2 of 4 stars). 2 submissions from 2 submitters: Uncertain significance (2). Last evaluated 2025-04-28.

Allele frequency attached by ClinVar (database versions not stated): ExAC 0.00002; TOPMed 0.00002; gnomAD 0.00004; ESP Exome Variant Server 0.00008.
gnomAD v4.1: 55 of 1,613,830 alleles (0.0034%); highest among the groups gnomAD compares: Non-Finnish European, 0.0045%; no homozygotes.

Submissions (2):

GeneDx
Classification: Uncertain significance. Last evaluated: 2025-04-28. Review status: criteria provided, single submitter. Criteria: GeneDx Variant Classification Process June 2021. Collection method: clinical testing. Allele origin: germline. Affected: yes.
Comment: In silico analysis supports that this missense variant has a deleterious effect on protein structure/function; Has not been previously published as pathogenic or benign to our knowledge

Labcorp Genetics (formerly Invitae), Labcorp
Classification: Uncertain significance. Last evaluated: 2025-04-10. Review status: criteria provided, single submitter. Criteria: Invitae Variant Classification Sherloc (09022015). Collection method: clinical testing. Allele origin: germline.
Comment: This sequence change replaces arginine, which is basic and polar, with tryptophan, which is neutral and slightly polar, at codon 283 of the RELB protein (p.Arg283Trp). This variant is present in population databases (rs370098933, gnomAD 0.006%). This variant has not been reported in the literature in individuals affected with RELB-related conditions. ClinVar contains an entry for this variant (Variation ID: 2702252). An algorithm developed to predict the effect of missense changes on protein structure and function (PolyPhen-2) suggests that this variant is likely to be disruptive. In summary, the available evidence is currently insufficient to determine the role of this variant in disease. Therefore, it has been classified as a Variant of Uncertain Significance.

NM_006509.4(RELB):c.847C>T (p.Arg283Trp)

Gene: RELB (RELB proto-oncogene, NF-kB subunit; plus strand). Cytogenetic location: 19q13.32.
Variant type: single nucleotide variant.
Coding change: c.847C>T on transcript NM_006509.4 (MANE Select); coding-DNA position 847, C replaced by T.
Protein change: p.Arg283Trp; replaces arginine 283 with tryptophan.
Molecular consequence: missense variant.
Genome position (GRCh38, 1-based): chr19:45,025,698, C>T. VCF-style: chr19-45025698-C-T. GRCh37 (hg19) VCF-style: chr19-45528956-C-T.
Other names: c.847C>T (NM_006509.3); c.838C>T, p.Arg280Trp (NM_001411087.1); short protein forms R280W, R283W.
Identifiers: ClinVar variation 2702252 (VCV002702252.4), dbSNP rs370098933, ClinGen allele CA9507666.
Genomic context (GRCh38, chr19:45,025,698, plus strand): 5'-ATGAATGTGGTGAGGATCTGCTTCCAGGCCTCATATCGGGACCAGCAGGGACAGATGCGC[C>T]GGATGGATCCTGTGCTTTCCGAGCCCGTCTATGACAAGAGTGAGTTGAGAGTGCTGTGGC-3'
Protein context (NP_006500.2, residues 273-293): SYRDQQGQMR[Arg283Trp]MDPVLSEPVY